The following is an entry in ClinVar:

NM_015338.6(ASXL1):c.653G>C (p.Arg218Pro)

Gene: ASXL1 (ASXL transcriptional regulator 1; plus strand). Cytogenetic location: 20q11.21.
Variant type: single nucleotide variant.
Coding change: c.653G>C on transcript NM_015338.6 (MANE Select); coding-DNA position 653, G replaced by C.
Protein change: p.Arg218Pro; replaces arginine 218 with proline.
Molecular consequence: missense variant. On other transcripts: intron variant (1).
Genome position (GRCh38, 1-based): chr20:32,429,988, G>C. VCF-style: chr20-32429988-G-C. GRCh37 (hg19) VCF-style: chr20-31017791-G-C.
Other names: c.535+557G>C (NM_001363734.1); short protein forms R218P.
Identifiers: ClinVar variation 2108058 (VCV002108058.5), dbSNP rs373418380, ClinGen allele CA9808162.

ClinVar aggregate classification (germline): Conflicting classifications of pathogenicity. Review status: criteria provided, conflicting classifications (1 of 4 stars). 2 submissions from 2 submitters: Uncertain significance (1); Likely benign (1). Last evaluated 2024-12-17.

Conditions:
Inborn genetic diseases. Identifiers: MedGen C0950123, MeSH D030342.

Allele frequency attached by ClinVar (database versions not stated): ExAC 0.00001.
gnomAD v4.1: 4 of 1,608,692 alleles (0.00025%); highest among the groups gnomAD compares: Admixed American, 0.005%; no homozygotes.

Submissions (2):

Ambry Genetics
Classification: Likely benign for Inborn genetic diseases. Last evaluated: 2024-12-17. Review status: criteria provided, single submitter. Criteria: Ambry Variant Classification Scheme 2023. Collection method: clinical testing. Allele origin: germline.

Labcorp Genetics (formerly Invitae), Labcorp
Classification: Uncertain significance. Last evaluated: 2022-07-19. Review status: criteria provided, single submitter. Criteria: Invitae Variant Classification Sherloc (09022015). Collection method: clinical testing. Allele origin: germline.
Comment: In summary, the available evidence is currently insufficient to determine the role of this variant in disease. Therefore, it has been classified as a Variant of Uncertain Significance. Algorithms developed to predict the effect of missense changes on protein structure and function are either unavailable or do not agree on the potential impact of this missense change (SIFT: "Deleterious"; PolyPhen-2: "Probably Damaging"; Align-GVGD: "Class C0"). This variant has not been reported in the literature in individuals affected with ASXL1-related conditions. This variant is present in population databases (rs373418380, gnomAD 0.009%). This sequence change replaces arginine, which is basic and polar, with proline, which is neutral and non-polar, at codon 218 of the ASXL1 protein (p.Arg218Pro).